The following is an entry in ClinVar:

NM_001852.4(COL9A2):c.1063G>A (p.Gly355Ser)

Gene: COL9A2 (collagen type IX alpha 2 chain; minus strand). Cytogenetic location: 1p34.2.
Variant type: single nucleotide variant.
Coding change: c.1063G>A on transcript NM_001852.4 (MANE Select); coding-DNA position 1063, G replaced by A.
Protein change: p.Gly355Ser; replaces glycine 355 with serine.
Molecular consequence: missense variant.
Genome position (GRCh38, 1-based): chr1:40,305,759, C>T on the plus strand (G>A on the coding strand, the complement: COL9A2 is on the minus strand). VCF-style: chr1-40305759-C-T. GRCh37 (hg19) VCF-style: chr1-40771431-C-T.
Other names: c.1063G>A (NM_001852.3); short protein forms G355S.
Identifiers: ClinVar variation 1365536 (VCV001365536.9), dbSNP rs138592408, ClinGen allele CA791602.

ClinVar aggregate classification (germline): Uncertain significance. Review status: criteria provided, multiple submitters, no conflicts (2 of 4 stars). 3 submissions from 3 submitters: Uncertain significance (3). Last evaluated 2025-10-21.

Conditions:
Inborn genetic diseases. Identifiers: MedGen C0950123, MeSH D030342.

Allele frequency attached by ClinVar (database versions not stated): gnomAD exomes below 0.00001; ExAC 0.00002; gnomAD 0.00005; TOPMed 0.00006; ESP Exome Variant Server 0.00008.
gnomAD v4.1: 16 of 1,614,144 alleles (0.00099%); highest among the groups gnomAD compares: African/African-American, 0.017%; no homozygotes.

Submissions (3):

Ambry Genetics
Classification: Uncertain significance for Inborn genetic diseases. Last evaluated: 2025-10-21. Review status: criteria provided, single submitter. Criteria: Ambry Variant Classification Scheme 2023. Collection method: clinical testing. Allele origin: germline.

Labcorp Genetics (formerly Invitae), Labcorp
Classification: Uncertain significance. Last evaluated: 2025-06-09. Review status: criteria provided, single submitter. Criteria: Invitae Variant Classification Sherloc (09022015). Collection method: clinical testing. Allele origin: germline.
Comment: This sequence change replaces glycine, which is neutral and non-polar, with serine, which is neutral and polar, at codon 355 of the COL9A2 protein (p.Gly355Ser). This variant is present in population databases (rs138592408, gnomAD 0.02%). This variant has not been reported in the literature in individuals affected with COL9A2-related conditions. ClinVar contains an entry for this variant (Variation ID: 1365536). Invitae Evidence Modeling of protein sequence and biophysical properties (such as structural, functional, and spatial information, amino acid conservation, physicochemical variation, residue mobility, and thermodynamic stability) indicates that this missense variant is expected to disrupt COL9A2 protein function with a positive predictive value of 95%. In summary, the available evidence is currently insufficient to determine the role of this variant in disease. Therefore, it has been classified as a Variant of Uncertain Significance.

Breakthrough Genomics
Classification: Uncertain significance. Review status: criteria provided, single submitter. Criteria: ACMG Guidelines, 2015. Collection method: not provided. Allele origin: germline. Inheritance: Autosomal recessive inheritance. Affected: yes.